The following is an entry in ClinVar:

ClinVar aggregate classification (germline): Conflicting classifications of pathogenicity. Review status: criteria provided, conflicting classifications (1 of 4 stars). 5 submissions from 5 submitters: Pathogenic (2); Uncertain significance (3). Last evaluated 2025-01-23.

Conditions:
Thrombophilia due to protein C deficiency, autosomal dominant. Also called: PROC DEFICIENCY, AUTOSOMAL DOMINANT; PROTEIN C DEFICIENCY, AUTOSOMAL DOMINANT. Identifiers: Orphanet 745, MedGen C2674321, MONDO:0008316, OMIM 176860. Disease mechanism: loss of function.

Submissions (5):

Victorian Clinical Genetics Services, Murdoch Childrens Research Institute
Classification: Pathogenic for Thrombophilia due to protein C deficiency, autosomal dominant. Last evaluated: 2025-01-23. Review status: criteria provided, single submitter. Criteria: ACMG Guidelines, 2015. Collection method: clinical testing. Allele origin: germline. Affected: yes.
Comment: This variant is classified as Risk factor. Evidence in support of pathogenic classification: In-frame insertion/deletion in a non-repetitive region that has low conservation; Variant is present in gnomAD <0.01 (v4: 321 heterozygote(s), 2 homozygote(s)); This variant has moderate functional evidence supporting abnormal protein function. In vitro and cell-based assays demonstrated that while K150del mutant active-sites remained intact and catalytic activities remained unaffected, the capacity of K150del mutants to interact with its cofactor protein S had been compromised, thereby reducing anticoagulation activity (PMID: 23389250). Additional information: This variant is heterozygous; This gene is associated with both recessive and dominant diseases (MIM#176860, MIM#612304); Previous reports of pathogenicity for this variant are conflicting. This variant has been classified as a VUS by clinical laboratories in ClinVar, and has been reported as a risk factor in the literature for venous thromboembolism and pulmonary embolism (PMID: 37789321, 33313468, 27026844). While it has been observed in healthy controls, it is enriched in cohorts with bleeding disorders (PMID: 22817391, 9840027, 31338992, 19822351, 26250584, 23389250); No comparable in-frame deletion variants have previous evidence for pathogenicity; Variant is not located in an established domain, motif, hotspot or informative constraint region; Loss of function is a known mechanism of disease in this gene and is associated with thrombophilia due to protein C deficiency, autosomal dominant (MIM#176860) and autosomal recessive (MIM#612304); The condition associated with this gene has incomplete penetrance, with asymptomatic carriers commonly reported (OMIM); Inheritance information for this variant is not currently available in this individual.

Women's Health and Genetics/Laboratory Corporation of America, LabCorp
Classification: Uncertain significance. Last evaluated: 2023-11-03. Review status: criteria provided, single submitter. Criteria: LabCorp Variant Classification Summary - May 2015. Collection method: clinical testing. Allele origin: germline.
Comment: Variant summary: PROC c.577_579delAAG (p.Lys193del) results in an in-frame deletion that is predicted to remove one amino acid from the encoded protein. The variant allele was found at a frequency of 0.0007 in 251380 control chromosomes, predominantly at a frequency of 0.0096 within the East Asian subpopulation in the gnomAD database, including 1 homozygote. The available data on variant occurrences in the general population are insufficient to allow any conclusion about variant significance, although this frequency is not suggestive of a variant associated with highly penetrant Mendelian disease. c.577_579delAAG has been reported in the literature as a risk factor for venous thrombosis and ischemic stroke, without a clear pattern of Mendelian inheritance, predominantly in individuals of East Asian descent (e.g., Tang_2012, Lu_2013). Several publications report experimental evidence evaluating an impact on protein function, finding that the variant results in a moderate reduction in anticoagulant activity relative to wild-type as well as a distinct transcriptional profile in HEK 293T cells (e.g., Tang_2012, Ding_2013, Lin_2021). The following publications have been ascertained in the context of this evaluation (PMID: 23389250, 33896796, 22976599, 22817391). Three submitters have reported clinical-significance assessments for this variant to ClinVar after 2014, citing the variant as uncertain significance (n = 2) and pathogenic (n = 1). Based on the evidence outlined above, the variant likely represents a risk allele for venous thrombosis and ischemic stroke and was therefore classified as VUS-possibly pathogenic.

Labcorp Genetics (formerly Invitae), Labcorp
Classification: Uncertain significance for Thrombophilia due to protein C deficiency, autosomal dominant. Last evaluated: 2021-07-13. Review status: criteria provided, single submitter. Criteria: Invitae Variant Classification Sherloc (09022015). Collection method: clinical testing. Allele origin: germline.
Comment: This variant, c.577_579del, results in the deletion of 1 amino acid(s) of the PROC protein (p.Lys193del), but otherwise preserves the integrity of the reading frame. This variant is present in population databases (rs569796900, ExAC 0.9%). This variant has been observed in individual(s) with protein C deficiency as well as unaffected control individuals from East Asian populations. In a small case-control study including 1304 cases and 1334 controls from Chinese population, this variant was significantly associated with venous thrombosis (OR: 2.84, 95% CI 1.88-4.29). However, this needs further validation in a larger study (PMID: 9840027, 19822351, 21486865, 22817391, 23332921, 24028705, 24162787, 26250584). This variant is also known as Lys150del or c.574_576del (p.Lys192del). ClinVar contains an entry for this variant (Variation ID: 225448). Algorithms developed to predict the effect of variants on protein structure and function are not available or were not evaluated for this variant. Experimental studies have shown that this variant affects PROC protein function (PMID: 19822351, 21486865, 22817391, 23389250, 24028705, 24162787, 26250584). In summary, the available evidence is currently insufficient to determine the role of this variant in disease. Therefore, it has been classified as a Variant of Uncertain Significance.

Illumina Laboratory Services, Illumina
Classification: Pathogenic for Thrombophilia due to protein C deficiency, autosomal dominant. Last evaluated: 2017-04-27. Review status: criteria provided, single submitter. Criteria: ICSL Variant Classification Criteria 09 May 2019. Collection method: clinical testing. Allele origin: germline.
Comment: The PROC c.577_579delAAG (p.Lys193del) variant, which has several alternative names, has been well-described in the literature. The p.Lys193del variant is reported in at least seven studies in individuals with protein C deficiency and thrombotic disease in which it was found in 162 individuals, including two in a homozygous state (Miyata et al. 1998; Kinoshita et al. 2005; Tang et al. 2012; Tang et al. 2013; Iijima et al. 2010; Gu et al. 2014; Kim et al. 2014). In the same studies, the variant was detected in 69 out of 2,887 controls and is reported at a frequency of 0.00925 in the East Asian population of the Exome Aggregation Consortium. Tang et al. (2013) reported the frequency of the variant to be significantly higher in individuals with protein C deficiency and thrombotic disease compared to healthy individuals with an odds ratio of 2.84. The Lys193 residue is conserved among mammals. Protein C anticoagulant and amidolytic activities in individuals carrying the p.Lys193del variant in a heterozygous state can range from being only slightly reduced to being nearly normal (Iijima et al. 2010, Tang et al. 2012). Given the high prevalence of the variant in controls, the p.Lys193del variant is considered to be associated with incomplete penetrance. Not all individuals who carry this variant will demonstrate a reduction in levels of protein C activity. However, based on the strong association with disease and the combined evidence from the literature, the p.Lys193del variant is classified as pathogenic for protein C deficiency. This variant was observed by ICSL as part of a predisposition screen in an ostensibly healthy population.

Soonchunhyang University Bucheon Hospital, Soonchunhyang University Medical Center
Classification: Uncertain significance for Thrombophilia due to protein C deficiency, autosomal dominant. Last evaluated: 2016-03-18. Review status: criteria provided, single submitter. Criteria: ACMG Guidelines, 2015. Collection method: reference population. Allele origin: germline. Observed: 4 variant alleles.

Literature cited by the submitters: PubMed 37789321 (cited by Victorian Clinical Genetics Services, Murdoch Childrens Research Institute); PubMed 27026844 (cited by Victorian Clinical Genetics Services, Murdoch Childrens Research Institute); PubMed 22817391 (cited by 4 submitters); PubMed 31338992 (cited by Victorian Clinical Genetics Services, Murdoch Childrens Research Institute); PubMed 33313468 (cited by Victorian Clinical Genetics Services, Murdoch Childrens Research Institute); PubMed 9840027 (cited by 3 submitters); PubMed 19822351 (cited by 3 submitters); PubMed 26250584 (cited by Victorian Clinical Genetics Services, Murdoch Childrens Research Institute and Labcorp Genetics (formerly Invitae), Labcorp); PubMed 23389250 (cited by 3 submitters); PubMed 33896796 (cited by Women's Health and Genetics/Laboratory Corporation of America, LabCorp); PubMed 22976599 (cited by Women's Health and Genetics/Laboratory Corporation of America, LabCorp); PubMed 21486865 (cited by Labcorp Genetics (formerly Invitae), Labcorp); PubMed 23332921 (cited by Labcorp Genetics (formerly Invitae), Labcorp and Illumina Laboratory Services, Illumina); PubMed 24028705 (cited by Labcorp Genetics (formerly Invitae), Labcorp and Illumina Laboratory Services, Illumina); PubMed 24162787 (cited by Labcorp Genetics (formerly Invitae), Labcorp and Illumina Laboratory Services, Illumina); PubMed 15978566 (cited by Illumina Laboratory Services, Illumina); PubMed 10805275 (cited by Soonchunhyang University Bucheon Hospital, Soonchunhyang University Medical Center); PubMed 17649706 (cited by Soonchunhyang University Bucheon Hospital, Soonchunhyang University Medical Center); PubMed 18954896 (cited by Soonchunhyang University Bucheon Hospital, Soonchunhyang University Medical Center).

NM_000312.4(PROC):c.574AAG[1] (p.Lys193del)

Gene: PROC (protein C, inactivator of coagulation factors Va and VIIIa; plus strand). Cytogenetic location: 2q14.3.
Variant type: Microsatellite.
Coding change: c.574AAG[1] on transcript NM_000312.4 (MANE Select); one copy of the 3-base unit AAG starting at c.574; the reference has two copies in a row; one copy, 3 bases deleted; also written c.577_579del.
Protein change: p.Lys193del; deletes lysine 193.
Molecular consequence: inframe deletion.
Genome position (GRCh38, 1-based): chr2:127,426,126-127,426,128, AAG deleted; deleting any 3 consecutive bases within chr2:127,426,121-127,426,128 gives the same sequence; the position shown is the placement nearest the transcript's 3' end. VCF-style (leftmost placement, unchanged base first): chr2-127426120-GAGA-G. GRCh37 (hg19) VCF-style: chr2-128183696-GAGA-G.
Other names: c.577_579del (NM_000312.4); c.577_579delAAG (NM_000312.4, NM_000312.3); c.757AAG[1], p.Lys254del (NM_001375602.1); c.739AAG[1], p.Lys248del (NM_001375603.1); c.637AAG[1], p.Lys214del (NM_001375604.1); c.676AAG[1], p.Lys227del (NM_001375605.1); c.742AAG[1], p.Lys249del (NM_001375606.1); c.760AAG[1], p.Lys255del (NM_001375607.1); and 4 more; short protein forms K193del, K174del, K185del, K191del, K214del, K227del, K248del, K249del.
Identifiers: ClinVar variation 225448 (VCV000225448.17), dbSNP rs199469469, ClinGen allele CA1859388.